The following is an entry in ClinVar:

NM_000038.6(APC):c.5922C>T (p.Asp1974=)

Gene: APC (APC regulator of Wnt signaling pathway; plus strand). Cytogenetic location: 5q22.2.
Variant type: single nucleotide variant.
Coding change: c.5922C>T on transcript NM_000038.6 (MANE Select); coding-DNA position 5922, C replaced by T.
Protein change: p.Asp1974=; no amino-acid change (aspartic acid 1974 retained).
Molecular consequence: synonymous variant.
Genome position (GRCh38, 1-based): chr5:112,841,516, C>T. VCF-style: chr5-112841516-C-T. GRCh37 (hg19) VCF-style: chr5-112177213-C-T.
Other names: c.5922C>T, p.Asp1974= (NM_001127510.3, NM_001354895.2); c.5868C>T, p.Asp1956= (NM_001127511.3); c.5976C>T, p.Asp1992= (NM_001354896.2); c.5952C>T, p.Asp1984= (NM_001354897.2); c.5847C>T, p.Asp1949= (NM_001354898.2); c.5838C>T, p.Asp1946= (NM_001354899.2); c.5799C>T, p.Asp1933= (NM_001354900.2); c.5745C>T, p.Asp1915= (NM_001354901.2); and 5 more.
Identifiers: ClinVar variation 387123 (VCV000387123.6), dbSNP rs1057522700, ClinGen allele CA16604753.
Genomic context (GRCh38, chr5:112,841,516, plus strand): 5'-TGCTATTGAAAATACTCCGGTTTGCTTTTCTCATAATTCCTCTCTGAGTTCTCTCAGTGA[C>T]ATTGACCAAGAAAACAACAATAAAGAAAATGAACCTATCAAAGAGACTGAGCCCCCTGAC-3'
Protein context (NP_000029.2, residues 1964-1984): SHNSSLSSLS[Asp1974=]IDQENNNKEN

ClinVar aggregate classification (germline): Benign/Likely benign. Review status: criteria provided, multiple submitters, no conflicts (2 of 4 stars). 4 submissions from 4 submitters: Benign (1); Likely benign (3). Last evaluated 2024-05-26.

Conditions:
Hereditary cancer-predisposing syndrome. Also called: Hereditary Cancer Syndrome; Hereditary neoplastic syndrome; Neoplastic Syndromes, Hereditary; Tumor predisposition. Identifiers: Orphanet 140162, MedGen C0027672, MeSH D009386, MONDO:0015356.
Familial adenomatous polyposis 1 (FAP1). Also called: FAMILIAL ADENOMATOUS POLYPOSIS 1, ATTENUATED; POLYPOSIS, ADENOMATOUS INTESTINAL. Identifiers: MedGen C2713442, MONDO:0021056, OMIM 175100. Disease mechanism: loss of function.

gnomAD v4.1: 1 of 1,613,716 alleles (0.000062%); no homozygotes.

Submissions (4):

Labcorp Genetics (formerly Invitae), Labcorp
Classification: Likely benign for Familial adenomatous polyposis 1. Last evaluated: 2024-05-26. Review status: criteria provided, single submitter. Criteria: Invitae Variant Classification Sherloc (09022015). Collection method: clinical testing. Allele origin: germline.

Myriad Genetics, Inc.
Classification: Benign for Familial adenomatous polyposis 1. Last evaluated: 2024-04-03. Review status: criteria provided, single submitter. Criteria: Myriad Autosomal Dominant, Autosomal Recessive and X-Linked Classification Criteria (2023). Collection method: clinical testing. Allele origin: unknown.
Comment: This variant is considered benign. This variant is a silent/synonymous amino acid change and it is not expected to impact splicing.

Ambry Genetics
Classification: Likely benign for Hereditary cancer-predisposing syndrome. Last evaluated: 2023-10-13. Review status: criteria provided, single submitter. Criteria: Ambry Variant Classification Scheme 2023. Collection method: clinical testing. Allele origin: germline.

GeneDx
Classification: Likely benign. Last evaluated: 2016-06-17. Review status: criteria provided, single submitter. Criteria: GeneDx Variant Classification (06012015). Collection method: clinical testing. Allele origin: germline. Affected: yes.
Comment: This variant is considered likely benign or benign based on one or more of the following criteria: it is a conservative change, it occurs at a poorly conserved position in the protein, it is predicted to be benign by multiple in silico algorithms, and/or has population frequency not consistent with disease.